The following is an entry in ClinVar:

NM_024334.3(TMEM43):c.955A>G (p.Met319Val)

Gene: TMEM43 (transmembrane protein 43; plus strand). Cytogenetic location: 3p25.1.
Variant type: single nucleotide variant.
Coding change: c.955A>G on transcript NM_024334.3 (MANE Select); coding-DNA position 955, A replaced by G.
Protein change: p.Met319Val; replaces methionine 319 with valine.
Molecular consequence: missense variant.
Genome position (GRCh38, 1-based): chr3:14,139,252, A>G. VCF-style: chr3-14139252-A-G. GRCh37 (hg19) VCF-style: chr3-14180752-A-G.
Other names: c.958A>G, p.Met320Val (NM_001407274.1); c.952A>G, p.Met318Val (NM_001407275.1, NM_001407276.1); c.949A>G, p.Met317Val (NM_001407277.1); c.940A>G, p.Met314Val (NM_001407278.1); c.880A>G, p.Met294Val (NM_001407279.1); c.805A>G, p.Met269Val (NM_001407280.1); short protein forms M314V, M317V, M294V, M320V, M319V, M269V, M318V.
Identifiers: ClinVar variation 1767379 (VCV001767379.6), dbSNP rs2470196827, ClinGen allele CA351536231.
Genomic context (GRCh38, chr3:14,139,252, plus strand): 5'-AGAGAACTAAGGAGCAACTCCATGAAGACCTGGGGCCTGCGGGCAGCTGGCTGGATGGCC[A>G]TGTTCATGGGCCTCAACCTTATGACACGGATCCTCTACACCTTGGGTAGGTGTTGGGGTG-3'
Protein context (NP_077310.1, residues 309-329): WGLRAAGWMA[Met319Val]FMGLNLMTRI

ClinVar aggregate classification (germline): Uncertain significance. Review status: criteria provided, multiple submitters, no conflicts (2 of 4 stars). 3 submissions from 3 submitters: Uncertain significance (3). Last evaluated 2024-10-07.

Conditions:
Cardiovascular phenotype. Identifiers: MedGen CN230736.
Arrhythmogenic right ventricular dysplasia 5. Also called: Arrhythmogenic Right Ventricular Dysplasia/Cardiomyopathy 5; ARRHYTHMOGENIC RIGHT VENTRICULAR DYSPLASIA, FAMILIAL, 5. Identifiers: MedGen C1858379, MONDO:0011459, OMIM 604400.

Allele frequency attached by ClinVar (database versions not stated): gnomAD exomes below 0.00001.
gnomAD v4.1: 1 of 1,614,180 alleles (0.000062%); highest among the groups gnomAD compares: Admixed American, 0.0017%; no homozygotes.

Submissions (3):

Labcorp Genetics (formerly Invitae), Labcorp
Classification: Uncertain significance for Arrhythmogenic right ventricular dysplasia 5. Last evaluated: 2024-10-07. Review status: criteria provided, single submitter. Criteria: Invitae Variant Classification Sherloc (09022015). Collection method: clinical testing. Allele origin: germline.
Comment: This sequence change replaces methionine, which is neutral and non-polar, with valine, which is neutral and non-polar, at codon 319 of the TMEM43 protein (p.Met319Val). This variant is not present in population databases (gnomAD no frequency). This variant has not been reported in the literature in individuals affected with TMEM43-related conditions. ClinVar contains an entry for this variant (Variation ID: 1767379). Invitae Evidence Modeling of protein sequence and biophysical properties (such as structural, functional, and spatial information, amino acid conservation, physicochemical variation, residue mobility, and thermodynamic stability) indicates that this missense variant is not expected to disrupt TMEM43 protein function with a negative predictive value of 80%. In summary, the available evidence is currently insufficient to determine the role of this variant in disease. Therefore, it has been classified as a Variant of Uncertain Significance.

All of Us Research Program, National Institutes of Health
Classification: Uncertain significance for Arrhythmogenic right ventricular dysplasia 5. Last evaluated: 2023-08-28. Review status: criteria provided, single submitter. Criteria: ACMG Guidelines, 2015. Collection method: clinical testing. Allele origin: germline. Inheritance: Autosomal dominant inheritance. Observed: 1 variant allele, 1 heterozygote.
Comment: This missense variant replaces methionine with valine at codon 319 of the TMEM43 protein. Computational prediction suggests that this variant may not impact protein structure and function (internally defined REVEL score threshold <= 0.5, PMID: 27666373). To our knowledge, functional studies have not been reported for this variant. This variant has not been reported in individuals affected with cardiovascular disorders in the literature. This variant has not been identified in the general population by the Genome Aggregation Database (gnomAD). The available evidence is insufficient to determine the role of this variant in disease conclusively. Therefore, this variant is classified as a Variant of Uncertain Significance.

This study involves interpretation of variants in research participants for the purpose of population health screening. Participant phenotype was not available at the time of variant classification. Additional details can be found in publication PMID: 35346344, PMCID: PMC8962531

Ambry Genetics
Classification: Uncertain significance for Cardiovascular phenotype. Last evaluated: 2020-06-01. Review status: criteria provided, single submitter. Criteria: Ambry Variant Classification Scheme 2023. Collection method: clinical testing. Allele origin: germline.
Comment: The p.M319V variant (also known as c.955A>G), located in coding exon 11 of the TMEM43 gene, results from an A to G substitution at nucleotide position 955. The methionine at codon 319 is replaced by valine, an amino acid with highly similar properties. This amino acid position is highly conserved in available vertebrate species. In addition, this alteration is predicted to be deleterious by in silico analysis. Since supporting evidence is limited at this time, the clinical significance of this alteration remains unclear.